The following is an entry in ClinVar:

ClinVar aggregate classification (germline): Uncertain significance (1 of 4 stars; one submission).

Allele frequency attached by ClinVar (database versions not stated): TOPMed below 0.00001.

Submission:

Labcorp Genetics (formerly Invitae), Labcorp
Classification: Uncertain significance. Last evaluated: 2024-11-06. Review status: criteria provided, single submitter. Criteria: Invitae Variant Classification Sherloc (09022015). Collection method: clinical testing. Allele origin: germline.
Comment: This sequence change replaces arginine, which is basic and polar, with isoleucine, which is neutral and non-polar, at codon 2212 of the LRP2 protein (p.Arg2212Ile). This variant is not present in population databases (gnomAD no frequency). This variant has not been reported in the literature in individuals affected with LRP2-related conditions. ClinVar contains an entry for this variant (Variation ID: 1937298). Invitae Evidence Modeling of protein sequence and biophysical properties (such as structural, functional, and spatial information, amino acid conservation, physicochemical variation, residue mobility, and thermodynamic stability) indicates that this missense variant is not expected to disrupt LRP2 protein function with a negative predictive value of 95%. In summary, the available evidence is currently insufficient to determine the role of this variant in disease. Therefore, it has been classified as a Variant of Uncertain Significance.

NM_004525.3(LRP2):c.6635G>T (p.Arg2212Ile)

Gene: LRP2 (LDL receptor related protein 2; minus strand). Cytogenetic location: 2q31.1.
Variant type: single nucleotide variant.
Coding change: c.6635G>T on transcript NM_004525.3 (MANE Select); coding-DNA position 6635, G replaced by T.
Protein change: p.Arg2212Ile; replaces arginine 2212 with isoleucine.
Molecular consequence: missense variant.
Genome position (GRCh38, 1-based): chr2:169,207,085, C>A on the plus strand (G>T on the coding strand, the complement: LRP2 is on the minus strand). VCF-style: chr2-169207085-C-A. GRCh37 (hg19) VCF-style: chr2-170063595-C-A.
Other names: short protein forms R2212I.
Identifiers: ClinVar variation 1937298 (VCV001937298.5), dbSNP rs1688421339, ClinGen allele CA349173181.
Genomic context (GRCh38, chr2:169,207,085, plus strand): 5'-CCCTCTGACACAAGCACTGTTCGATTGGTACAGTCAAGGAAAGAACGCTCAATCTTTGGT[C>A]TCTGCCCATAGTCAGCCCAGAAGAGGTATCTGTTCTTGGGATCTACAACAATATGCCTAG-3'
Protein context (NP_004516.2, residues 2202-2222): RYLFWADYGQ[Arg2212Ile]PKIERSFLDC